The following is an entry in ClinVar:

NM_032539.5(SLITRK2):c.844G>T (p.Val282Phe)

Gene: SLITRK2 (SLIT and NTRK like family member 2; plus strand). Cytogenetic location: Xq27.3.
Variant type: single nucleotide variant.
Coding change: c.844G>T on transcript NM_032539.5 (MANE Select); coding-DNA position 844, G replaced by T.
Protein change: p.Val282Phe; replaces valine 282 with phenylalanine.
Molecular consequence: missense variant.
Genome position (GRCh38, 1-based): chrX:145,823,269, G>T. VCF-style: chrX-145823269-G-T. GRCh37 (hg19) VCF-style: chrX-144904787-G-T.
Other names: c.844G>T, p.Val282Phe (NM_001144003.3, NM_001144004.3, NM_001144005.3 and 4 more transcripts); short protein forms V282F.
Identifiers: ClinVar variation 4072278 (VCV004072278.1).
Genomic context (GRCh38, chrX:145,823,269, plus strand): 5'-CTCTGTCCCAGAAAAAGTGCCAGTGATTCCAGTCAGAGGGGCAGCCATGCTGACACCCAC[G>T]TCCAAAGGCTGTCACCTACAATGAATCCTGCTCTCAACCCAACCAGGGCTCCGAAAGCCA-3'
Protein context (NP_115928.1, residues 272-292): SQRGSHADTH[Val282Phe]QRLSPTMNPA

ClinVar aggregate classification (germline): Uncertain significance (1 of 4 stars; one submission).

Conditions:
Intellectual developmental disorder, X-linked 111 (XLID111). Identifiers: MedGen C5829568, MONDO:0957203, OMIM 301107.

Submission:

3billion
Classification: Uncertain significance for Intellectual developmental disorder, X-linked 111. Last evaluated: 2024-07-23. Review status: criteria provided, single submitter. Criteria: ACMG Guidelines, 2015. Collection method: clinical testing. Allele origin: germline. Affected: yes.
Comment: The variant is not observed in the gnomAD v4.0.0 dataset. Predicted Consequence/Location: Missense changes are a common disease-causing mechanism. In silico tool predictions suggest no damaging effect of the variant on gene or gene product [REVEL: 0.06 (<0.4); 3Cnet: 0.00 (<0.15, specificity 0.78 and negative predictive value 0.92)]. Therefore, this variant is classified as VUS according to the recommendation of ACMG/AMP guideline.